The following is an entry in ClinVar:

NM_000535.7(PMS2):c.1086G>A (p.Met362Ile)

Gene: PMS2 (PMS1 homolog 2, mismatch repair system component; minus strand). Cytogenetic location: 7p22.1.
Variant type: single nucleotide variant.
Coding change: c.1086G>A on transcript NM_000535.7 (MANE Select); coding-DNA position 1086, G replaced by A.
Protein change: p.Met362Ile; replaces methionine 362 with isoleucine.
Molecular consequence: missense variant. On other transcripts: non-coding transcript variant (1), intron variant (2).
Genome position (GRCh38, 1-based): chr7:5,989,858, C>T on the plus strand (G>A on the coding strand, the complement: PMS2 is on the minus strand). VCF-style: chr7-5989858-C-T. GRCh37 (hg19) VCF-style: chr7-6029489-C-T.
Other names: c.681G>A, p.Met227Ile (NM_001322003.2, NM_001322004.2, NM_001322005.2 and 1 more transcripts); c.768G>A, p.Met256Ile (NM_001322007.2, NM_001322008.2); c.153G>A, p.Met51Ile (NM_001322011.2, NM_001322012.2); c.513G>A, p.Met171Ile (NM_001322013.2); c.1086G>A, p.Met362Ile (NM_001322014.2); c.777G>A, p.Met259Ile (NM_001322015.2); c.583+2115G>A (NM_001322010.2); c.988+2115G>A (NM_001322006.2); short protein forms M171I, M227I, M256I, M259I, M362I, M51I.
Identifiers: ClinVar variation 1009167 (VCV001009167.8), dbSNP rs1783524610, ClinGen allele CA366742842.
Genomic context (GRCh38, chr7:5,989,858, plus strand): 5'-ACCTTCAACATCCAGCAGTGGCTGCTGACTGACATTTAGCTTGTTGACATCACTATCAAA[C>T]ATTCCTATCAAAGAGGTCTTTAAAACTGCCAACAAAAGCTTTTCCTCTTGTAGCAAAATT-3'
Protein context (NP_000526.2, residues 352-372): LAVLKTSLIG[Met362Ile]FDSDVNKLNV

ClinVar aggregate classification (germline): Uncertain significance (1 of 4 stars; one submission).

Conditions:
Hereditary nonpolyposis colorectal neoplasms. Identifiers: MedGen C0009405, MeSH D003123.

Allele frequency attached by ClinVar (database versions not stated): gnomAD exomes below 0.00001.
gnomAD v4.1: 2 of 1,612,830 alleles (0.00012%); highest among the groups gnomAD compares: Non-Finnish European, 0.00017%; no homozygotes.

Submission:

Labcorp Genetics (formerly Invitae), Labcorp
Classification: Uncertain significance for Hereditary nonpolyposis colorectal neoplasms. Last evaluated: 2024-01-02. Review status: criteria provided, single submitter. Criteria: Invitae Variant Classification Sherloc (09022015). Collection method: clinical testing. Allele origin: germline.
Comment: This sequence change replaces methionine, which is neutral and non-polar, with isoleucine, which is neutral and non-polar, at codon 362 of the PMS2 protein (p.Met362Ile). This variant is not present in population databases (gnomAD no frequency). This variant has not been reported in the literature in individuals affected with PMS2-related conditions. ClinVar contains an entry for this variant (Variation ID: 1009167). Advanced modeling of protein sequence and biophysical properties (such as structural, functional, and spatial information, amino acid conservation, physicochemical variation, residue mobility, and thermodynamic stability) has been performed at Invitae for this missense variant, however the output from this modeling did not meet the statistical confidence thresholds required to predict the impact of this variant on PMS2 protein function. In summary, the available evidence is currently insufficient to determine the role of this variant in disease. Therefore, it has been classified as a Variant of Uncertain Significance.